The following is an entry in ClinVar:

ClinVar aggregate classification (germline): Pathogenic. Review status: reviewed by expert panel (3 of 4 stars). 8 submissions from 8 submitters: Pathogenic (1). 7 of the submissions do not count toward it. Last evaluated 2016-09-08.

Conditions:
Hereditary cancer-predisposing syndrome. Also called: Tumor predisposition; Hereditary Cancer Syndrome; Neoplastic Syndromes, Hereditary; Hereditary neoplastic syndrome. Identifiers: Orphanet 140162, MedGen C0027672, MeSH D009386, MONDO:0015356.
Familial cancer of breast. Also called: BREAST CANCER, FAMILIAL; Hereditary breast cancer; hereditary breast carcinoma. Identifiers: Orphanet 227535, MedGen C0346153, MONDO:0016419, OMIM 114480. Disease mechanism: loss of function.
Breast-ovarian cancer, familial, susceptibility to, 2 (BROVCA2). Also called: BRCA2 Hereditary Breast and Ovarian Cancer. Identifiers: Orphanet 145, MedGen C2675520, MONDO:0012933, OMIM 612555. Disease mechanism: loss of function.
Hereditary breast ovarian cancer syndrome. Also called: Hereditary breast and ovarian cancer; Hereditary breast and/or ovarian cancer syndrome; BRCA1- and BRCA2-Associated Hereditary Breast and Ovarian Cancer; Hereditary breast and ovarian cancer syndrome; Hereditary breast and ovarian cancer syndrome (HBOC); Breast and ovarian cancer. Identifiers: Orphanet 145, MedGen C0677776, MeSH D061325, MONDO:0003582. Disease mechanism: loss of function.

Submissions (8):

Evidence-based Network for the Interpretation of Germline Mutant Alleles (ENIGMA)
Classification: Pathogenic for Breast-ovarian cancer, familial, susceptibility to, 2. Last evaluated: 2016-09-08. Review status: reviewed by expert panel. Criteria: ENIGMA BRCA1/2 Classification Criteria (2015). Collection method: curation. Allele origin: germline.
Comment: Variant allele predicted to encode a truncated non-functional protein.

Labcorp Genetics (formerly Invitae), Labcorp
Classification: Pathogenic for Hereditary breast ovarian cancer syndrome. Last evaluated: 2025-02-26. Review status: criteria provided, single submitter. Criteria: Invitae Variant Classification Sherloc (09022015). Collection method: clinical testing. Allele origin: germline. Not counted in ClinVar's aggregate classification.
Comment: This sequence change creates a premature translational stop signal (p.Asn1023*) in the BRCA2 gene. It is expected to result in an absent or disrupted protein product. Loss-of-function variants in BRCA2 are known to be pathogenic (PMID: 20104584). This variant is not present in population databases (gnomAD no frequency). This premature translational stop signal has been observed in individual(s) with BRCA2-related conditions (PMID: 10923033). For these reasons, this variant has been classified as Pathogenic.

Ambry Genetics
Classification: Pathogenic for Hereditary cancer-predisposing syndrome. Last evaluated: 2023-12-28. Review status: criteria provided, single submitter. Criteria: Ambry Variant Classification Scheme 2023. Collection method: clinical testing. Allele origin: germline. Not counted in ClinVar's aggregate classification.
Comment: The c.3067_3071delAACAT pathogenic mutation, located in coding exon 10 of the BRCA2 gene, results from a deletion of 5 nucleotides at nucleotide positions 3067 to 3071, causing a translational frameshift with a predicted alternate stop codon (p.N1023*). This alteration is expected to result in loss of function by premature protein truncation or nonsense-mediated mRNA decay. As such, this alteration is interpreted as a disease-causing mutation.

Department of Pathology and Laboratory Medicine, Sinai Health System
Classification: Pathogenic for Familial cancer of breast; Breast-ovarian cancer, familial, susceptibility to, 2. Last evaluated: 2021-08-16. Review status: criteria provided, single submitter. Criteria: ACMG Guidelines, 2015. Collection method: clinical testing. Allele origin: germline. Affected: yes. Not counted in ClinVar's aggregate classification.

Color Diagnostics, LLC DBA Color Health
Classification: Pathogenic for Hereditary cancer-predisposing syndrome. Last evaluated: 2020-06-03. Review status: criteria provided, single submitter. Criteria: ACMG Guidelines, 2015. Collection method: clinical testing. Allele origin: germline. Not counted in ClinVar's aggregate classification.
Comment: This variant deletes 5 nucleotides in exon 11 of the BRCA2 gene, creating a frameshift and premature translation stop signal. This variant is expected to result in an absent or non-functional protein product. To our knowledge, this variant has not been reported in individuals affected with hereditary cancer in the literature. This variant has not been identified in the general population by the Genome Aggregation Database (gnomAD). Loss of BRCA2 function is a known mechanism of disease. Based on the available evidence, this variant is classified as Pathogenic.

Institute of Human Genetics, University of Leipzig Medical Center
Classification: Pathogenic for Familial cancer of breast. Last evaluated: 2019-01-01. Review status: criteria provided, single submitter. Criteria: ACMG Guidelines, 2015. Collection method: clinical testing. Allele origin: unknown. Affected: no. Not counted in ClinVar's aggregate classification.

Consortium of Investigators of Modifiers of BRCA1/2 (CIMBA), c/o University of Cambridge
Classification: Pathogenic for Breast-ovarian cancer, familial, susceptibility to, 2. Last evaluated: 2015-10-02. Review status: criteria provided, single submitter. Criteria: CIMBA Mutation Classification guidelines May 2016. Collection method: clinical testing. Allele origin: germline. Not counted in ClinVar's aggregate classification.

Breast Cancer Information Core (BIC) (BRCA2)
Classification: Pathogenic for Breast-ovarian cancer, familial 2. Last evaluated: 2002-05-29. Review status: no assertion criteria provided. Collection method: clinical testing. Allele origin: germline. Affected: yes. Observed: 1 variant allele. Not counted in ClinVar's aggregate classification.

Literature cited by the submitters: PubMed 20104584 (cited by Labcorp Genetics (formerly Invitae), Labcorp); PubMed 10923033 (cited by Labcorp Genetics (formerly Invitae), Labcorp).

NM_000059.4(BRCA2):c.3067_3071del (p.His1022_Asn1023insTer)

Gene: BRCA2 (BRCA2 DNA repair associated; plus strand). Cytogenetic location: 13q13.1.
Variant type: Microsatellite.
Coding change: c.3067_3071del on transcript NM_000059.4 (MANE Select); coding-DNA positions 3067 to 3071, 5 bases deleted (AACAT; older notation c.3067_3071delAACAT).
Protein change: p.His1022_Asn1023insTer.
Molecular consequence: nonsense.
Genome position (GRCh38, 1-based): chr13:32,337,422-32,337,426, AACAT deleted; deleting any 5 consecutive bases within chr13:32,337,417-32,337,426 gives the same sequence; the c. name uses the placement nearest the transcript's 3' end. VCF-style (leftmost placement, unchanged base first): chr13-32337416-GAACAT-G. GRCh37 (hg19) VCF-style: chr13-32911553-GAACAT-G.
Other names: 3295del5; c.3067_3071delAACAT (NM_000059.3).
Identifiers: ClinVar variation 126003 (VCV000126003.21), dbSNP rs80359369, ClinGen allele CA017131.
Genomic context (GRCh38, chr13:32,337,416, plus strand): 5'-TCAAATCACAGTTTTGGAGGTAGCTTCAGAACAGCTTCAAATAAGGAAATCAAGCTCTCT[GAACAT>G]AACATTAAGAAGAGCAAAATGTTCTTCAAAGATATTGAAGAACAATATCCTACTAGTTTA-3'